The following is an entry in ClinVar:

ClinVar aggregate classification (germline): Uncertain significance (1 of 4 stars; one submission).

Submission:

Women's Health and Genetics/Laboratory Corporation of America, LabCorp
Classification: Uncertain significance. Last evaluated: 2024-10-11. Review status: criteria provided, single submitter. Criteria: LabCorp Variant Classification Summary - May 2015. Collection method: clinical testing. Allele origin: germline.
Comment: Variant summary: TRIO c.1559_1560delinsAT (p.Ser520Asn) results in a conservative amino acid change in the encoded protein sequence. Three of five in-silico tools predict a damaging effect of the variant on protein function. The variant allele (reported as 2 component SNVs) was found at a frequency of 2.5e-06 in 1607106 control chromosomes in the gnomAD database (v4.1 dataset). The available data on variant occurrences in the general population are insufficient to allow any conclusion about variant significance. To our knowledge, no occurrence of c.1559_1560delinsAT in individuals affected with TRIO-Related Intellectual Disability and no experimental evidence demonstrating its impact on protein function have been reported. No submitters have cited clinical-significance assessments for this variant to ClinVar. Based on the evidence outlined above, the variant was classified as uncertain significance.

NM_007118.4(TRIO):c.1559_1560delinsAT (p.Ser520Asn)

Gene: TRIO (trio Rho guanine nucleotide exchange factor; plus strand). Cytogenetic location: 5p15.2.
Variant type: Indel.
Coding change: c.1559_1560delinsAT on transcript NM_007118.4 (MANE Select); coding-DNA positions 1559 to 1560, GC replaced by AT.
Protein change: p.Ser520Asn; replaces serine 520 with asparagine.
Molecular consequence: missense variant. On other transcripts: non-coding transcript variant (1).
Genome position (GRCh38, 1-based): chr5:14,316,571-14,316,572, GC replaced by AT. VCF-style: chr5-14316571-GC-AT. GRCh37 (hg19) VCF-style: chr5-14316680-GC-AT.
Other names: short protein forms S520N.
Identifiers: ClinVar variation 3384750 (VCV003384750.1).
Genomic context (GRCh38, chr5:14,316,571, plus strand): 5'-AGGTCAGCCAAGATGGGAAGTCGCTCCTTGACAAGCTCCAGCGGCCCTTGACTCCCGGCA[GC>AT]TCCGATTCCCTGACAGCCTCTGCCAACTACTCCAAGGCCGTGCACCATGTCCTGGATGTC-3'
Protein context (NP_009049.2, residues 510-530): DKLQRPLTPG[Ser520Asn]SDSLTASANY